The following is an entry in ClinVar:

ClinVar aggregate classification (germline): Uncertain significance (1 of 4 stars; one submission).

gnomAD v4.1: 2 of 151,690 alleles (0.0013%); highest among the groups gnomAD compares: South Asian, 0.021%; no homozygotes.

Submission:

Greenwood Genetic Center Diagnostic Laboratories, Greenwood Genetic Center
Classification: Uncertain significance. Last evaluated: 2026-04-28. Review status: criteria provided, single submitter. Criteria: ACMG Guidelines, 2015. Collection method: clinical testing. Allele origin: germline.
Comment: PM2, BP4

NM_001042492.3(NF1):c.60+12625G>A

Gene: NF1 (neurofibromin 1; plus strand). Cytogenetic location: 17q11.2.
Variant type: single nucleotide variant.
Coding change: c.60+12625G>A on transcript NM_001042492.3 (MANE Select); 12625 bases into the intron after coding-DNA position 60, G replaced by A.
Molecular consequence: intron variant.
Genome position (GRCh38, 1-based): chr17:31,107,994, G>A. VCF-style: chr17-31107994-G-A. GRCh37 (hg19) VCF-style: chr17-29435012-G-A.
Other names: c.60+12625G>A (NM_000267.4, NM_001128147.3).
Identifiers: ClinVar variation 4891041 (VCV004891041.1).